The following is an entry in ClinVar:

ClinVar aggregate classification (germline): Likely pathogenic (1 of 4 stars; one submission).

Conditions:
3M syndrome 1. Also called: 3-M Syndrome, CUL7-Related. Identifiers: Orphanet 2616, MedGen C2678312, MONDO:0010117, OMIM 273750.

Submission:

Diagnostics Services (NGS), CSIR - Centre For Cellular And Molecular Biology
Classification: Likely pathogenic for 3M syndrome 1. Last evaluated: 2022-02-10. Review status: criteria provided, single submitter. Criteria: ACMG Guidelines, 2015. Collection method: clinical testing. Allele origin: germline. Inheritance: Autosomal recessive inheritance. Affected: yes. Observed: 1 variant allele, 1 homozygote.
Comment: The c.3343del variant is not present in publicly available population databases like 1000 Genomes, Exome Variant Server (EVS), Exome Aggregation Consortium (ExAC), Genome Aggregation Database (gnomAD), dbSNP and Indian Exome Database. The variant is also not present in our in-house exome database. The variant was not previously reported to ClinVar, Human Genome Mutation Database (HGMD) and OMIM databases in any affected individuals. In-silico pathogenicity prediction programs like MutationTaster2, CADD, Varsome etc. predicted this variant to be likely deleterious. The variant causes frameshift at the 1167th amino acid position that creates a premature stop codon at 1224th amino acid position of the altered transcripts that may either results into a truncated protein or causes nonsense mediated decay of the mRNA.

Literature cited by the submitters: PubMed 21383554.

NM_014780.5(CUL7):c.3247del (p.Gln1083fs)

Gene: CUL7 (cullin 7; minus strand). Cytogenetic location: 6p21.1.
Variant type: Deletion.
Coding change: c.3247del on transcript NM_014780.5 (MANE Select); coding-DNA position 3247, one base deleted (C; older notation c.3247delC).
Protein change: p.Gln1083fs; shifts the reading frame from glutamine 1083.
Molecular consequence: frameshift variant.
Genome position (GRCh38, 1-based): chr6:43,043,556, G deleted on the plus strand (C on the coding strand, the reverse complement: CUL7 is on the minus strand); the first of 5 consecutive G bases (chr6:43,043,556-43,043,560); deleting any one gives the same sequence. VCF-style (leftmost placement, unchanged base first): chr6-43043555-TG-T. GRCh37 (hg19) VCF-style: chr6-43011293-TG-T.
Other names: c.3343del, p.Gln1115fs (NM_001168370.2, NM_001374872.1); c.3247del, p.Gln1083fs (NM_001374873.1, NM_001374874.1); short protein forms Q1083fs, Q1115fs.
Identifiers: ClinVar variation 1691276 (VCV001691276.4), dbSNP rs1763636120, ClinGen allele CA2573140797.